The following is an entry in ClinVar:

ClinVar aggregate classification (germline): Uncertain significance. Review status: criteria provided, multiple submitters, no conflicts (2 of 4 stars). 6 submissions from 6 submitters: Uncertain significance (5). 1 of the submissions does not count toward it. Last evaluated 2026-06-11.

Conditions:
Cardiovascular phenotype. Identifiers: MedGen CN230736.
Alstrom syndrome (ALMS). Identifiers: Orphanet 64, MedGen C0268425, MONDO:0008763, OMIM 203800.

Allele frequency attached by ClinVar (database versions not stated): gnomAD exomes 0.00003 and 0.00005; ExAC 0.00007; ESP Exome Variant Server 0.00008; TOPMed 0.00009; gnomAD 0.00010 and 0.00011; 1000 Genomes Project 0.00040; 1000 Genomes Project 30x 0.00047.
gnomAD v4.1: 55 of 1,613,864 alleles (0.0034%); highest among the groups gnomAD compares: African/African-American, 0.031%; no homozygotes.

Submissions (6):

GeneDx
Classification: Uncertain significance. Last evaluated: 2026-06-11. Review status: criteria provided, single submitter. Criteria: GeneDx Variant Classification Process June 2021. Collection method: clinical testing. Allele origin: germline.
Comment: In silico analysis suggests that this missense variant does not alter protein structure/function; Has not been previously published as pathogenic or benign to our knowledge

Ambry Genetics
Classification: Uncertain significance for Cardiovascular phenotype. Last evaluated: 2023-07-27. Review status: criteria provided, single submitter. Criteria: Ambry Variant Classification Scheme 2023. Collection method: clinical testing. Allele origin: germline.
Comment: The p.R3679Q variant (also known as c.11036G>A), located in coding exon 16 of the ALMS1 gene, results from a G to A substitution at nucleotide position 11036. The arginine at codon 3679 is replaced by glutamine, an amino acid with highly similar properties. This amino acid position is not well conserved in available vertebrate species. In addition, this alteration is predicted to be tolerated by in silico analysis. Since supporting evidence is limited at this time, the clinical significance of this alteration remains unclear.

Blueprint Genetics
Classification: Uncertain significance. Last evaluated: 2022-09-10. Review status: criteria provided, single submitter. Criteria: ACMG Guidelines, 2015. Collection method: clinical testing. Allele origin: germline.

Labcorp Genetics (formerly Invitae), Labcorp
Classification: Uncertain significance for Alstrom syndrome. Last evaluated: 2022-08-09. Review status: criteria provided, single submitter. Criteria: Invitae Variant Classification Sherloc (09022015). Collection method: clinical testing. Allele origin: germline.
Comment: This sequence change replaces arginine, which is basic and polar, with glutamine, which is neutral and polar, at codon 3679 of the ALMS1 protein (p.Arg3679Gln). This variant is present in population databases (rs371007945, gnomAD 0.03%). This variant has not been reported in the literature in individuals affected with ALMS1-related conditions. ClinVar contains an entry for this variant (Variation ID: 965946). In summary, the available evidence is currently insufficient to determine the role of this variant in disease. Therefore, it has been classified as a Variant of Uncertain Significance.

Fulgent Genetics
Classification: Uncertain significance for Alstrom syndrome. Last evaluated: 2022-01-08. Review status: criteria provided, single submitter. Criteria: ACMG Guidelines, 2015. Collection method: clinical testing. Allele origin: unknown.

Natera, Inc.
Classification: Uncertain significance for Alstrom syndrome. Last evaluated: 2020-02-19. Review status: no assertion criteria provided. Collection method: clinical testing. Allele origin: germline. Not counted in ClinVar's aggregate classification.

NM_001378454.1(ALMS1):c.11033G>A (p.Arg3678Gln)

Gene: ALMS1 (ALMS1 centrosome and basal body associated protein; plus strand). Cytogenetic location: 2p13.1.
Variant type: single nucleotide variant.
Coding change: c.11033G>A on transcript NM_001378454.1 (MANE Select); coding-DNA position 11033, G replaced by A.
Protein change: p.Arg3678Gln; replaces arginine 3678 with glutamine.
Molecular consequence: missense variant.
Genome position (GRCh38, 1-based): chr2:73,572,910, G>A. VCF-style: chr2-73572910-G-A. GRCh37 (hg19) VCF-style: chr2-73800037-G-A.
Other names: c.11036G>A, p.Arg3679Gln (NM_015120.4); short protein forms R3678Q, R3679Q.
Identifiers: ClinVar variation 965946 (VCV000965946.16), dbSNP rs371007945, ClinGen allele CA1715105.